The following is an entry in ClinVar:

ClinVar aggregate classification (germline): Uncertain significance (1 of 4 stars; one submission).

Submission:

Labcorp Genetics (formerly Invitae), Labcorp
Classification: Uncertain significance. Last evaluated: 2021-12-03. Review status: criteria provided, single submitter. Criteria: Invitae Variant Classification Sherloc (09022015). Collection method: clinical testing. Allele origin: germline.
Comment: Algorithms developed to predict the effect of missense changes on protein structure and function are either unavailable or do not agree on the potential impact of this missense change (SIFT: "Deleterious"; PolyPhen-2: "Benign"; Align-GVGD: "Class C25"). This variant has not been reported in the literature in individuals affected with CAD-related conditions. This variant is not present in population databases (gnomAD no frequency). This sequence change replaces arginine, which is basic and polar, with leucine, which is neutral and non-polar, at codon 394 of the CAD protein (p.Arg394Leu). In summary, the available evidence is currently insufficient to determine the role of this variant in disease. Therefore, it has been classified as a Variant of Uncertain Significance.

NM_004341.5(CAD):c.1181G>T (p.Arg394Leu)

Gene: CAD (carbamoyl-phosphate synthetase 2, aspartate transcarbamylase, and dihydroorotase; plus strand). Cytogenetic location: 2p23.3.
Variant type: single nucleotide variant.
Coding change: c.1181G>T on transcript NM_004341.5 (MANE Select); coding-DNA position 1181, G replaced by T.
Protein change: p.Arg394Leu; replaces arginine 394 with leucine.
Molecular consequence: missense variant.
Genome position (GRCh38, 1-based): chr2:27,224,417, G>T. VCF-style: chr2-27224417-G-T. GRCh37 (hg19) VCF-style: chr2-27447285-G-T.
Other names: c.1181G>T, p.Arg394Leu (NM_001306079.2); short protein forms R394L.
Identifiers: ClinVar variation 1396221 (VCV001396221.6), dbSNP rs775146460, ClinGen allele CA346203624.